The following is an entry in ClinVar:

NM_001375567.1(FOCAD):c.4804G>A (p.Asp1602Asn)

Gene: FOCAD (focadhesin; plus strand). Cytogenetic location: 9p21.3.
Variant type: single nucleotide variant.
Coding change: c.4804G>A on transcript NM_001375567.1 (MANE Select); coding-DNA position 4804, G replaced by A.
Protein change: p.Asp1602Asn; replaces aspartic acid 1602 with asparagine.
Molecular consequence: missense variant.
Genome position (GRCh38, 1-based): chr9:20,986,363, G>A. VCF-style: chr9-20986363-G-A. GRCh37 (hg19) VCF-style: chr9-20986362-G-A.
Other names: c.4699G>A, p.Asp1567Asn (NM_001375568.1, NM_001375570.1); c.4804G>A, p.Asp1602Asn (NM_017794.5); short protein forms D1602N, D1567N.
Identifiers: ClinVar variation 2342983 (VCV002342983.4), dbSNP rs184060968, ClinGen allele CA5008063.
Genomic context (GRCh38, chr9:20,986,363, plus strand): 5'-GCTGCCTTTGTCAAACTGTACTTAGTCTCTCAAGGACGATTCCCCTTGGTGAACCTGACC[G>A]ATATGCTGAGCGTTGCTGTGCAGCACCGTGAGAAAGAGGTGTTGGCCTGGATGATTCTGC-3'
Protein context (NP_001362496.1, residues 1592-1612): QGRFPLVNLT[Asp1602Asn]MLSVAVQHRE

ClinVar aggregate classification (germline): Uncertain significance. Review status: criteria provided, multiple submitters, no conflicts (2 of 4 stars). 2 submissions from 2 submitters: Uncertain significance (2). Last evaluated 2025-05-28.

Conditions:
Inborn genetic diseases. Identifiers: MedGen C0950123, MeSH D030342.

Allele frequency attached by ClinVar (database versions not stated): gnomAD 0.00003; 1000 Genomes Project 0.00040; 1000 Genomes Project 30x 0.00047; TOPMed 0.00007; ExAC 0.00017.
gnomAD v4.1: 81 of 1,590,604 alleles (0.0051%); highest among the groups gnomAD compares: Admixed American, 0.092%; no homozygotes.

Submissions (2):

Labcorp Genetics (formerly Invitae), Labcorp
Classification: Uncertain significance. Last evaluated: 2025-05-28. Review status: criteria provided, single submitter. Criteria: Invitae Variant Classification Sherloc (09022015). Collection method: clinical testing. Allele origin: germline.
Comment: This sequence change replaces aspartic acid, which is acidic and polar, with asparagine, which is neutral and polar, at codon 1602 of the FOCAD protein (p.Asp1602Asn). This variant is present in population databases (rs184060968, gnomAD 0.1%), and has an allele count higher than expected for a pathogenic variant. This variant has not been reported in the literature in individuals affected with FOCAD-related conditions. ClinVar contains an entry for this variant (Variation ID: 2342983). Experimental studies and prediction algorithms are not available or were not evaluated, and the functional significance of this variant is currently unknown. In summary, the available evidence is currently insufficient to determine the role of this variant in disease. Therefore, it has been classified as a Variant of Uncertain Significance.

Ambry Genetics
Classification: Uncertain significance for Inborn genetic diseases. Last evaluated: 2021-08-23. Review status: criteria provided, single submitter. Criteria: Ambry Variant Classification Scheme 2023. Collection method: clinical testing. Allele origin: germline.